The following is an entry in ClinVar:

NM_201253.3(CRB1):c.523_532dup (p.Tyr178fs)

Gene: CRB1 (crumbs cell polarity complex component 1; plus strand). Cytogenetic location: 1q31.3.
Variant type: Duplication.
Coding change: c.523_532dup on transcript NM_201253.3 (MANE Select); coding-DNA positions 523 to 532, 10 bases duplicated (GTCCCAGGAT; older notation c.523_532dupGTCCCAGGAT).
Protein change: p.Tyr178fs; shifts the reading frame from tyrosine 178.
Molecular consequence: frameshift variant. On other transcripts: non-coding transcript variant (2).
Genome position (GRCh38, 1-based): chr1:197,328,874-197,328,883, GTCCCAGGAT duplicated; duplicating any 10 consecutive bases within chr1:197,328,873-197,328,883 gives the same sequence; the c. name uses the placement nearest the transcript's 3' end. VCF-style (leftmost placement, unchanged base first): chr1-197328872-G-GTGTCCCAGGA. GRCh37 (hg19) VCF-style: chr1-197298002-G-GTGTCCCAGGA.
Other names: c.523_532dup, p.Tyr178fs (NM_001193640.2, NM_001257966.2); c.316_325dup, p.Tyr109fs (NM_001257965.2); short protein forms Y178fs, Y109fs.
Identifiers: ClinVar variation 969380 (VCV000969380.7), dbSNP rs1658689096, ClinGen allele CA1139656493.
Genomic context (GRCh38, chr1:197,328,872, plus strand): 5'-CCAGCCCTTGCCAAAATGGGGCCGTGTGCCAGGATGGAATTGATGGTTACTCCTGCTTCT[G>GTGTCCCAGGA]TGTCCCAGGATATCAAGGCAGACACTGCGACTTGGAAGTGGATGAATGTGCTTCAGATCC-3'

ClinVar aggregate classification (germline): Pathogenic (1 of 4 stars; one submission).

Conditions:
Leber congenital amaurosis 8 (LCA8). Identifiers: Orphanet 65, MedGen C3151202, MONDO:0013453, OMIM 613835.
Retinitis pigmentosa 12 (RP12). Also called: RP WITH OR WITHOUT PPRPE; RP WITH OR WITHOUT PRESERVED PARAARTERIOLE RETINAL PIGMENT EPITHELIUM; RETINITIS PIGMENTOSA WITH OR WITHOUT PARAARTERIOLAR PRESERVATION OF RETINAL PIGMENT EPITHELIUM. Identifiers: Orphanet 791, MedGen C1838647, MONDO:0010818, OMIM 600105.

Submission:

Labcorp Genetics (formerly Invitae), Labcorp
Classification: Pathogenic for Leber congenital amaurosis 8; Retinitis pigmentosa 12. Last evaluated: 2019-10-16. Review status: criteria provided, single submitter. Criteria: Invitae Variant Classification Sherloc (09022015). Collection method: clinical testing. Allele origin: germline.
Comment: For these reasons, this variant has been classified as Pathogenic. Loss-of-function variants in CRB1 are known to be pathogenic (PMID: 10508521, 22065545, 23379534, 25412400, 26957898, 28041643, 29391521). Algorithms developed to predict the effect of sequence changes on RNA splicing suggest that this variant may create or strengthen a splice site, but this prediction has not been confirmed by published transcriptional studies. This variant has not been reported in the literature in individuals with CRB1-related conditions. This variant is not present in population databases (ExAC no frequency). This sequence change creates a premature translational stop signal (p.Tyr178Cysfs*15) in the CRB1 gene. It is expected to result in an absent or disrupted protein product.

Literature cited by the submitters: PubMed 10508521; PubMed 22065545; PubMed 23379534; PubMed 25412400; PubMed 26957898; PubMed 28041643; PubMed 29391521.